The following is an entry in ClinVar:

NM_003185.4(TAF4):c.940G>A (p.Ala314Thr)

Genes: MIR3195 (microRNA 3195; plus strand), TAF4 (TATA-box binding protein associated factor 4; minus strand). Cytogenetic location: 20q13.33.
Variant type: single nucleotide variant.
Coding change: c.940G>A on transcript NM_003185.4 (MANE Select); coding-DNA position 940, G replaced by A.
Protein change: p.Ala314Thr; replaces alanine 314 with threonine.
Molecular consequence: missense variant. On other transcripts: non-coding transcript variant (1).
Genome position (GRCh38, 1-based): chr20:62,064,871, C>T on the plus strand (G>A on the coding strand, the complement: TAF4 is on the minus strand). VCF-style: chr20-62064871-C-T. GRCh37 (hg19) VCF-style: chr20-60639927-C-T.
Other names: short protein forms A314T.
Identifiers: ClinVar variation 4536937 (VCV004536937.1).

ClinVar aggregate classification (germline): Uncertain significance (1 of 4 stars; one submission).

Submission:

Women's Health and Genetics/Laboratory Corporation of America, LabCorp
Classification: Uncertain significance. Last evaluated: 2025-11-07. Review status: criteria provided, single submitter. Criteria: LabCorp Variant Classification Summary - May 2015. Collection method: clinical testing. Allele origin: germline.
Comment: Variant summary: TAF4 c.940G>A (p.Ala314Thr) results in a non-conservative amino acid change in the encoded protein sequence. Algorithms developed to predict the effect of missense changes on protein structure and function are either unavailable or do not agree on the potential impact of this missense change. The variant was absent in 22120 control chromosomes. The available data on variant occurrences in the general population are insufficient to allow any conclusion about variant significance. To our knowledge, no occurrence of c.940G>A in individuals affected with TAF4-related conditions and no experimental evidence demonstrating its impact on protein function have been reported. No submitters have cited clinical-significance assessments for this variant to ClinVar. Based on the evidence outlined above, the variant was classified as uncertain significance.